The following is an entry in ClinVar:

ClinVar aggregate classification (germline): Benign/Likely benign. Review status: criteria provided, multiple submitters, no conflicts (2 of 4 stars). 8 submissions from 8 submitters: Benign (5); Likely benign (2). 1 of the submissions does not count toward it. Last evaluated 2026-02-04.

Conditions:
Usher syndrome type 2C. Also called: Usher syndrome, type 2B; USHER SYNDROME, TYPE IIC. Identifiers: Orphanet 231178, Orphanet 886, MedGen C2931213, MONDO:0011558, OMIM 605472.

Allele frequency attached by ClinVar (database versions not stated): 1000 Genomes Project 0.00599; 1000 Genomes Project 30x 0.00640; gnomAD exomes 0.01319 and 0.01909; TOPMed 0.01320; gnomAD 0.01342 and 0.01390; ExAC 0.01440; ESP Exome Variant Server 0.01465.

Submissions (8):

Labcorp Genetics (formerly Invitae), Labcorp
Classification: Benign. Last evaluated: 2026-02-04. Review status: criteria provided, single submitter. Criteria: Invitae Variant Classification Sherloc (09022015). Collection method: clinical testing. Allele origin: germline.

ARUP Laboratories, Molecular Genetics and Genomics, ARUP Laboratories
Classification: Benign. Last evaluated: 2023-09-22. Review status: criteria provided, single submitter. Criteria: ARUP Molecular Germline Variant Investigation Process 2024. Collection method: clinical testing. Allele origin: germline.

Illumina Laboratory Services, Illumina
Classification: Likely benign for Usher syndrome type 2C. Last evaluated: 2018-01-13. Review status: criteria provided, single submitter. Criteria: ICSL Variant Classification Criteria 13 December 2019. Collection method: clinical testing. Allele origin: germline.
Comment: This variant was observed in the ICSL laboratory as part of a predisposition screen in an ostensibly healthy population. It had not been previously curated by ICSL or reported in the Human Gene Mutation Database (HGMD: prior to June 1st, 2018), and was therefore a candidate for classification through an automated scoring system. Utilizing variant allele frequency, disease prevalence and penetrance estimates, and inheritance mode, an automated score was calculated to assess if this variant is too frequent to cause the disease. Based on the score and internal cut-off values, a variant classified as likely benign is not then subjected to further curation. The score for this variant resulted in a classification of likely benign for this disease.

Athena Diagnostics
Classification: Benign. Last evaluated: 2017-10-05. Review status: criteria provided, single submitter. Criteria: Athena Diagnostics Criteria. Collection method: clinical testing. Allele origin: germline.

GeneDx
Classification: Benign. Last evaluated: 2013-04-12. Review status: criteria provided, single submitter. Criteria: GeneDx Variant Classification (06012015). Collection method: clinical testing. Allele origin: germline. Affected: yes.
Comment: This variant is considered likely benign or benign based on one or more of the following criteria: it is a conservative change, it occurs at a poorly conserved position in the protein, it is predicted to be benign by multiple in silico algorithms, and/or has population frequency not consistent with disease.

Laboratory for Molecular Medicine, Mass General Brigham Personalized Medicine
Classification: Benign. Last evaluated: 2012-04-17. Review status: criteria provided, single submitter. Criteria: LMM Criteria. Collection method: clinical testing. Allele origin: germline. Observed: 49 variant alleles.
Comment: Glu1768Glu in exon 24 of GPR98: This variant is not expected to have clinical si gnificance because it does not alter an amino acid residue, is not located withi n the splice consensus sequence, and has been identified in 2% (133/6694) of Eur opean American chromosomes and 0.5% (16/3782) of African American chromosomes in a broad population by the NHLBI Exome sequencing project (dbSNP rs41303346).

Breakthrough Genomics
Classification: Likely benign. Review status: criteria provided, single submitter. Criteria: ACMG Guidelines, 2015. Collection method: not provided. Allele origin: germline. Inheritance: Autosomal recessive inheritance. Affected: yes.

Genetic Services Laboratory, University of Chicago
Classification: Likely benign. Review status: no assertion criteria provided. Collection method: clinical testing. Allele origin: germline. Inheritance: Autosomal dominant inheritance. Not counted in ClinVar's aggregate classification.
Comment: Likely benign based on allele frequency in 1000 Genomes Project or ESP global frequency and its presence in a patient with a rare or unrelated disease phenotype. NOT Sanger confirmed

NM_032119.4(ADGRV1):c.5304G>A (p.Glu1768=)

Gene: ADGRV1 (adhesion G protein-coupled receptor V1; plus strand). Cytogenetic location: 5q14.3.
Variant type: single nucleotide variant.
Coding change: c.5304G>A on transcript NM_032119.4 (MANE Select); coding-DNA position 5304, G replaced by A.
Protein change: p.Glu1768=; no amino-acid change (glutamic acid 1768 retained).
Molecular consequence: synonymous variant. On other transcripts: non-coding transcript variant (1).
Genome position (GRCh38, 1-based): chr5:90,675,436, G>A. VCF-style: chr5-90675436-G-A. GRCh37 (hg19) VCF-style: chr5-89971253-G-A.
Other names: p.E1768E:GAG>GAA.
Identifiers: ClinVar variation 46334 (VCV000046334.30), dbSNP rs41303346, ClinGen allele CA138141.